The following is an entry in ClinVar:

ClinVar aggregate classification (germline): Uncertain significance (1 of 4 stars; one submission).

Conditions:
POLD1-related polyposis and colorectal cancer syndrome (CRCS10). Also called: Colorectal cancer 10; COLORECTAL CANCER, SUSCEPTIBILITY TO, ON CHROMOSOME 19q; Colorectal cancer, susceptibility to, 10. Identifiers: Orphanet 220460, MedGen C2675481, MONDO:0012953, OMIM 612591.

Submission:

Labcorp Genetics (formerly Invitae), Labcorp
Classification: Uncertain significance for POLD1-related polyposis and colorectal cancer syndrome. Last evaluated: 2020-11-17. Review status: criteria provided, single submitter. Criteria: Invitae Variant Classification Sherloc (09022015). Collection method: clinical testing. Allele origin: germline.
Comment: This sequence change creates a premature translational stop signal (Splice acceptor) in the POLD1 gene. While this is not anticipated to result in nonsense mediated decay, it is expected to disrupt the last 35 amino acid(s) of the POLD1 protein. This variant is not present in population databases (ExAC no frequency). This variant has not been reported in the literature in individuals with POLD1-related conditions. Missense variants that disrupt the 3'-5' exonuclease (proof-reading) activity of the POLD1 protein, are associated with an increased risk for colonic adenomatous polyps and colon cancer (PMID: 23263490, 23447401). However loss-of-function variants, which result in an absent or severely disrupted POLD1 protein, and missense variants outside the exonuclease domain, are unlikely to be associated with polyposis or colon cancer. Without further clinical and genetic evidence, this variant has been classified as a Variant of Uncertain Significance.

Literature cited by the submitters: PubMed 23263490; PubMed 23447401.

NM_002691.4(POLD1):c.3219-2A>G

Gene: POLD1 (DNA polymerase delta 1, catalytic subunit; plus strand). Cytogenetic location: 19q13.33.
Variant type: single nucleotide variant.
Coding change: c.3219-2A>G on transcript NM_002691.4 (MANE Select); the canonical splice acceptor site of the intron before coding-DNA position 3219, A replaced by G.
Molecular consequence: splice acceptor variant.
Genome position (GRCh38, 1-based): chr19:50,417,840, A>G. VCF-style: chr19-50417840-A-G. GRCh37 (hg19) VCF-style: chr19-50921097-A-G.
Other names: c.3219-2A>G (NM_001256849.1); c.3297-2A>G (NM_001308632.1).
Identifiers: ClinVar variation 1501035 (VCV001501035.6), dbSNP rs2122521064, ClinGen allele CA406987650.